The following is an entry in ClinVar:

ClinVar aggregate classification (germline): Uncertain significance. Review status: criteria provided, multiple submitters, no conflicts (2 of 4 stars). 2 submissions from 2 submitters: Uncertain significance (2). Last evaluated 2025-10-18.

Conditions:
Inborn genetic diseases. Identifiers: MedGen C0950123, MeSH D030342.
DOCK2 deficiency. Also called: Immunodeficiency 40. Identifiers: Orphanet 447737, MedGen C4225328, MONDO:0014637, OMIM 616433.

Allele frequency attached by ClinVar (database versions not stated): gnomAD exomes 0.00008; ExAC 0.00011; gnomAD 0.00024; TOPMed 0.00028; 1000 Genomes Project 0.00080; 1000 Genomes Project 30x 0.00094.

Submissions (2):

Labcorp Genetics (formerly Invitae), Labcorp
Classification: Uncertain significance for DOCK2 deficiency. Last evaluated: 2025-10-18. Review status: criteria provided, single submitter. Criteria: Invitae Variant Classification Sherloc (09022015). Collection method: clinical testing. Allele origin: germline.
Comment: This sequence change replaces serine, which is neutral and polar, with arginine, which is basic and polar, at codon 1122 of the DOCK2 protein (p.Ser1122Arg). This variant is present in population databases (rs200973349, gnomAD 0.09%). This variant has not been reported in the literature in individuals affected with DOCK2-related conditions. ClinVar contains an entry for this variant (Variation ID: 542606). An algorithm developed to predict the effect of missense changes on protein structure and function (PolyPhen-2) suggests that this variant is likely to be tolerated. In summary, the available evidence is currently insufficient to determine the role of this variant in disease. Therefore, it has been classified as a Variant of Uncertain Significance.

Ambry Genetics
Classification: Uncertain significance for Inborn genetic diseases. Last evaluated: 2025-08-02. Review status: criteria provided, single submitter. Criteria: Ambry Variant Classification Scheme 2023. Collection method: clinical testing. Allele origin: germline.

NM_004946.3(DOCK2):c.3366T>A (p.Ser1122Arg)

Gene: DOCK2 (dedicator of cytokinesis 2; plus strand). Cytogenetic location: 5q35.1.
Variant type: single nucleotide variant.
Coding change: c.3366T>A on transcript NM_004946.3 (MANE Select); coding-DNA position 3366, T replaced by A.
Protein change: p.Ser1122Arg; replaces serine 1122 with arginine.
Molecular consequence: missense variant. On other transcripts: non-coding transcript variant (1).
Genome position (GRCh38, 1-based): chr5:170,019,093, T>A. VCF-style: chr5-170019093-T-A. GRCh37 (hg19) VCF-style: chr5-169446097-T-A.
Other names: c.3366T>A, p.Ser1122Arg (LRG_1227t1); short protein forms S1122R.
Identifiers: ClinVar variation 542606 (VCV000542606.10), dbSNP rs200973349, ClinGen allele CA3554182.